The following is an entry in ClinVar:

NM_006846.4(SPINK5):c.1960C>T (p.Arg654Cys)

Gene: SPINK5 (serine peptidase inhibitor Kazal type 5; plus strand). Cytogenetic location: 5q32.
Variant type: single nucleotide variant.
Coding change: c.1960C>T on transcript NM_006846.4 (MANE Select); coding-DNA position 1960, C replaced by T.
Protein change: p.Arg654Cys; replaces arginine 654 with cysteine.
Molecular consequence: missense variant.
Genome position (GRCh38, 1-based): chr5:148,114,434, C>T. VCF-style: chr5-148114434-C-T. GRCh37 (hg19) VCF-style: chr5-147493997-C-T.
Other names: c.1960C>T, p.Arg654Cys (NM_001127698.2, NM_001127699.2); short protein forms R654C.
Identifiers: ClinVar variation 449102 (VCV000449102.11), dbSNP rs199567491, ClinGen allele CA3495805.

ClinVar aggregate classification (germline): Uncertain significance. Review status: criteria provided, multiple submitters, no conflicts (2 of 4 stars). 4 submissions from 4 submitters: Uncertain significance (4). Last evaluated 2025-11-27.

Conditions:
Ichthyosis linearis circumflexa. Identifiers: MedGen C0265962, MONDO:0043106, HP:0025810.

Allele frequency attached by ClinVar (database versions not stated): gnomAD exomes 0.00021 and 0.00032; ExAC 0.00031; gnomAD 0.00039 and 0.00041; TOPMed 0.00051; ESP Exome Variant Server 0.00099.

Submissions (4):

Labcorp Genetics (formerly Invitae), Labcorp
Classification: Uncertain significance for Ichthyosis linearis circumflexa. Last evaluated: 2025-11-27. Review status: criteria provided, single submitter. Criteria: Invitae Variant Classification Sherloc (09022015). Collection method: clinical testing. Allele origin: germline.
Comment: This sequence change replaces arginine, which is basic and polar, with cysteine, which is neutral and slightly polar, at codon 654 of the SPINK5 protein (p.Arg654Cys). This variant is present in population databases (rs199567491, gnomAD 0.09%). This variant has not been reported in the literature in individuals affected with SPINK5-related conditions. ClinVar contains an entry for this variant (Variation ID: 449102). Invitae Evidence Modeling of protein sequence and biophysical properties (such as structural, functional, and spatial information, amino acid conservation, physicochemical variation, residue mobility, and thermodynamic stability) indicates that this missense variant is not expected to disrupt SPINK5 protein function with a negative predictive value of 80%. In summary, the available evidence is currently insufficient to determine the role of this variant in disease. Therefore, it has been classified as a Variant of Uncertain Significance.

Blueprint Genetics
Classification: Uncertain significance. Last evaluated: 2023-02-27. Review status: criteria provided, single submitter. Criteria: ACMG Guidelines, 2015. Collection method: clinical testing. Allele origin: germline.

GeneDx
Classification: Uncertain significance. Last evaluated: 2017-10-06. Review status: criteria provided, single submitter. Criteria: GeneDx Variant Classification (06012015). Collection method: clinical testing. Allele origin: germline. Affected: yes.
Comment: The R654C variant has not been published as a pathogenic variant, nor has it been reported as a benign variant to our knowledge. The variant is observed in 22/24006 (0.09%) alleles from individuals of African background in the ExAC dataset (Lek et al., 2016). The variant is a non-conservative amino acid substitution, which is likely to impact secondary protein structure as these residues differ in polarity, charge, size and/or other properties. This substitution occurs at a position that is conserved across species. In silico analysis predicts this variant is probably damaging to the protein structure/function. In summary, based on the currently available information, it is unclear whether this variant is a pathogenic variant or a rare benign variant.

Breakthrough Genomics
Classification: Uncertain significance. Review status: criteria provided, single submitter. Criteria: ACMG Guidelines, 2015. Collection method: not provided. Allele origin: germline. Inheritance: Autosomal recessive inheritance. Affected: yes.